The following is an entry in ClinVar:

NM_018013.4(SOBP):c.1321C>T (p.Pro441Ser)

Gene: SOBP (sine oculis binding protein homolog; plus strand). Cytogenetic location: 6q21.
Variant type: single nucleotide variant.
Coding change: c.1321C>T on transcript NM_018013.4 (MANE Select); coding-DNA position 1321, C replaced by T.
Protein change: p.Pro441Ser; replaces proline 441 with serine.
Molecular consequence: missense variant.
Genome position (GRCh38, 1-based): chr6:107,634,165, C>T. VCF-style: chr6-107634165-C-T. GRCh37 (hg19) VCF-style: chr6-107955369-C-T.
Other names: short protein forms P441S.
Identifiers: ClinVar variation 212276 (VCV000212276.9), dbSNP rs201319446, ClinGen allele CA209268.
Genomic context (GRCh38, chr6:107,634,165, plus strand): 5'-AACCCCAACAGCCCCCTGTCCAACCCCATGCTTCCCGGCATCGGGCCCCCGCCCGGTGGC[C>T]CCAGAAACCTGGGCCCCACTTCCAGCCCCATGCACCGGCCCATGCTATCGCCCCACATCC-3'
Protein context (NP_060483.3, residues 431-451): LPGIGPPPGG[Pro441Ser]RNLGPTSSPM

ClinVar aggregate classification (germline): Uncertain significance. Review status: criteria provided, multiple submitters, no conflicts (2 of 4 stars). 3 submissions from 3 submitters: Uncertain significance (2). 1 of the submissions does not count toward it. Last evaluated 2018-10-31.

Conditions:
SOBP-related disorder. Also called: SOBP-related condition.
Impaired intellectual development, anterior maxillary protrusion, and strabismus. Also called: Intellectual disability, anterior maxillary protrusion, and strabismus. Identifiers: Orphanet 562559, MedGen C3150924, MONDO:0013353, OMIM 613671.

Allele frequency attached by ClinVar (database versions not stated): 1000 Genomes Project 0.00100; 1000 Genomes Project 30x 0.00109; ExAC 0.00122; gnomAD exomes 0.00123 and 0.00260; TOPMed 0.00158; ESP Exome Variant Server 0.00170; gnomAD 0.00170 and 0.00176.
gnomAD v4.1: 4,036 of 1,611,196 alleles (0.25%); highest among the groups gnomAD compares: Non-Finnish European, 0.32%; 9 homozygotes.

Submissions (3):

Fulgent Genetics
Classification: Uncertain significance for Impaired intellectual development, anterior maxillary protrusion, and strabismus. Last evaluated: 2018-10-31. Review status: criteria provided, single submitter. Criteria: ACMG Guidelines, 2015. Collection method: clinical testing. Allele origin: unknown.

Genetic Services Laboratory, University of Chicago
Classification: Uncertain significance. Last evaluated: 2014-06-25. Review status: criteria provided, single submitter. Criteria: ACMG Guidelines, 2015. Collection method: clinical testing. Allele origin: germline.

PreventionGenetics, part of Exact Sciences
Classification: Likely benign for SOBP-related condition. Last evaluated: 2023-01-03. Review status: no assertion criteria provided. Collection method: clinical testing. Allele origin: germline. Not counted in ClinVar's aggregate classification.
Comment: This variant is classified as likely benign based on ACMG/AMP sequence variant interpretation guidelines (Richards et al. 2015 PMID: 25741868, with internal and published modifications).